The following is an entry in ClinVar:

ClinVar aggregate classification (germline): Uncertain significance (1 of 4 stars; one submission).

Submission:

Labcorp Genetics (formerly Invitae), Labcorp
Classification: Uncertain significance. Last evaluated: 2024-04-03. Review status: criteria provided, single submitter. Criteria: Invitae Variant Classification Sherloc (09022015). Collection method: clinical testing. Allele origin: germline.
Comment: This sequence change replaces proline, which is neutral and non-polar, with arginine, which is basic and polar, at codon 37 of the NOG protein (p.Pro37Arg). This variant is not present in population databases (gnomAD no frequency). This missense change has been observed in individual(s) with clinical features of NOG-related symphalangism spectrum disorder (NOG-SSD) (PMID: 15264296). An algorithm developed to predict the effect of missense changes on protein structure and function (PolyPhen-2) suggests that this variant is likely to be disruptive. In summary, the available evidence is currently insufficient to determine the role of this variant in disease. Therefore, it has been classified as a Variant of Uncertain Significance.

Literature cited by the submitters: PubMed 15264296.

NM_005450.6(NOG):c.110C>G (p.Pro37Arg)

Gene: NOG (noggin; plus strand). Cytogenetic location: 17q22.
Variant type: single nucleotide variant.
Coding change: c.110C>G on transcript NM_005450.6 (MANE Select); coding-DNA position 110, C replaced by G.
Protein change: p.Pro37Arg; replaces proline 37 with arginine.
Molecular consequence: missense variant.
Genome position (GRCh38, 1-based): chr17:56,594,333, C>G. VCF-style: chr17-56594333-C-G. GRCh37 (hg19) VCF-style: chr17-54671694-C-G.
Other names: short protein forms P37R.
Identifiers: ClinVar variation 3722893 (VCV003722893.2).
Genomic context (GRCh38, chr17:56,594,333, plus strand): 5'-TCCTGGGGCTGCGGGCGACACCGGCCGGCGGCCAGCACTATCTCCACATCCGCCCGGCAC[C>G]CAGCGACAACCTGCCCCTGGTGGACCTCATCGAACACCCAGACCCTATCTTTGACCCCAA-3'
Protein context (NP_005441.1, residues 27-47): GQHYLHIRPA[Pro37Arg]SDNLPLVDLI